The following is an entry in ClinVar:

NM_170754.4(TNS2):c.770A>G (p.Gln257Arg)

Gene: TNS2 (tensin 2; plus strand). Cytogenetic location: 12q13.13.
Variant type: single nucleotide variant.
Coding change: c.770A>G on transcript NM_170754.4 (MANE Select); coding-DNA position 770, A replaced by G.
Protein change: p.Gln257Arg; replaces glutamine 257 with arginine.
Molecular consequence: missense variant.
Genome position (GRCh38, 1-based): chr12:53,057,021, A>G. VCF-style: chr12-53057021-A-G. GRCh37 (hg19) VCF-style: chr12-53450805-A-G.
Other names: c.770A>G, p.Gln257Arg (NM_001416202.1, NM_001416204.1); c.701A>G, p.Gln234Arg (NM_001416203.1, NM_015319.3); c.398A>G, p.Gln133Arg (NM_198316.2); short protein forms Q234R, Q133R, Q257R.
Identifiers: ClinVar variation 3674682 (VCV003674682.2).
Genomic context (GRCh38, chr12:53,057,021, plus strand): 5'-GCCAGGATGAAGATTAATCCCTAATCCCCAACACTGGCCTTGCTATCCCCAGGGCGGACC[A>G]GGCACTGGCCACTCTTACCATGCGGAAATTCTGCGAGGACAAGGTGGCCACAGAACTGCA-3'
Protein context (NP_736610.2, residues 247-267): HYSKISAGAD[Gln257Arg]ALATLTMRKF

ClinVar aggregate classification (germline): Uncertain significance (1 of 4 stars; one submission).

Submission:

Labcorp Genetics (formerly Invitae), Labcorp
Classification: Uncertain significance. Last evaluated: 2024-11-11. Review status: criteria provided, single submitter. Criteria: Invitae Variant Classification Sherloc (09022015). Collection method: clinical testing. Allele origin: germline.
Comment: This sequence change replaces glutamine, which is neutral and polar, with arginine, which is basic and polar, at codon 267 of the TNS2 protein (p.Gln267Arg). This variant is not present in population databases (gnomAD no frequency). This variant has not been reported in the literature in individuals affected with TNS2-related conditions. An algorithm developed to predict the effect of missense changes on protein structure and function (PolyPhen-2) suggests that this variant is likely to be disruptive. In summary, the available evidence is currently insufficient to determine the role of this variant in disease. Therefore, it has been classified as a Variant of Uncertain Significance.